The following is an entry in ClinVar:

NM_005089.4(ZRSR2):c.203+1408C>T

Gene: ZRSR2 (zinc finger CCCH-type, RNA binding motif and serine/arginine rich 2; plus strand). Cytogenetic location: Xp22.2.
Variant type: single nucleotide variant.
Coding change: c.203+1408C>T on transcript NM_005089.4 (MANE Select); 1408 bases into the intron after coding-DNA position 203, C replaced by T.
Molecular consequence: intron variant.
Genome position (GRCh38, 1-based): chrX:15,801,361, C>T. VCF-style: chrX-15801361-C-T. GRCh37 (hg19) VCF-style: chrX-15819484-C-T.
Identifiers: ClinVar variation 4821302 (VCV004821302.4).

ClinVar aggregate classification (germline): Likely benign (1 of 4 stars; one submission).

gnomAD v4.1: 12 of 286,410 alleles (0.0042%); highest among the groups gnomAD compares: Admixed American, 0.022%; no homozygotes.

Submission:

CeGaT Center for Human Genetics Tuebingen
Classification: Likely benign. Last evaluated: 2026-01-01. Review status: criteria provided, single submitter. Criteria: CeGaT Center For Human Genetics Tuebingen Variant Classification Criteria Version 2. Collection method: clinical testing. Allele origin: germline. Affected: yes. Observed: 1 variant allele.
Comment: ZRSR2: BP4, BP7